The following is an entry in ClinVar:

ClinVar aggregate classification (germline): Uncertain significance (1 of 4 stars; one submission).

Conditions:
Inborn genetic diseases. Identifiers: MedGen C0950123, MeSH D030342.

Submission:

Ambry Genetics
Classification: Uncertain significance for Inborn genetic diseases. Last evaluated: 2024-11-18. Review status: criteria provided, single submitter. Criteria: Ambry Variant Classification Scheme 2023. Collection method: clinical testing. Allele origin: germline.
Comment: The p.S417T variant (also known as c.1249T>A), located in coding exon 9 of the DNMT3A gene, results from a T to A substitution at nucleotide position 1249. The serine at codon 417 is replaced by threonine, an amino acid with similar properties. This amino acid position is conserved. In addition, this alteration is predicted to be tolerated by in silico analysis. Based on the available evidence, the clinical significance of this variant remains unclear.

NM_022552.5(DNMT3A):c.1249T>A (p.Ser417Thr)

Gene: DNMT3A (DNA methyltransferase 3 alpha; minus strand). Cytogenetic location: 2p23.3.
Variant type: single nucleotide variant.
Coding change: c.1249T>A on transcript NM_022552.5 (MANE Select); coding-DNA position 1249, T replaced by A.
Protein change: p.Ser417Thr; replaces serine 417 with threonine.
Molecular consequence: missense variant. On other transcripts: non-coding transcript variant (1).
Genome position (GRCh38, 1-based): chr2:25,246,650, A>T on the plus strand (T>A on the coding strand, the complement: DNMT3A is on the minus strand). VCF-style: chr2-25246650-A-T. GRCh37 (hg19) VCF-style: chr2-25469519-A-T.
Other names: c.793T>A, p.Ser265Thr (NM_001320893.1); c.580T>A, p.Ser194Thr (NM_001375819.1); c.682T>A, p.Ser228Thr (NM_153759.3); c.1249T>A, p.Ser417Thr (NM_175629.2); short protein forms S228T, S417T, S194T, S265T.
Identifiers: ClinVar variation 3504226 (VCV003504226.1).
Genomic context (GRCh38, chr2:25,246,650, plus strand): 5'-GGTCCCAGAAAGCTGGGTGCCCTCATTTACCTTCTGGTGGCTCCAGGCCCTTAGGGCCAG[A>T]AGGCTGGAAGCCCCCCAGGGCCCATTCAATCATGGGCTTGTTCTGCACCTCCACGGCCTT-3'
Protein context (NP_072046.2, residues 407-427): IEWALGGFQP[Ser417Thr]GPKGLEPPEE